The following is an entry in ClinVar:

ClinVar aggregate classification (germline): Uncertain significance. Review status: criteria provided, multiple submitters, no conflicts (2 of 4 stars). 2 submissions from 2 submitters: Uncertain significance (2). Last evaluated 2025-10-20.

Conditions:
SEMA3C-related disorder. Also called: SEMA3C-related condition.

Allele frequency attached by ClinVar (database versions not stated): ExAC 0.00001; gnomAD exomes 0.00001; gnomAD 0.00002; TOPMed 0.00003.
gnomAD v4.1: 10 of 1,613,728 alleles (0.00062%); highest among the groups gnomAD compares: Non-Finnish European, 0.00085%; no homozygotes.

Submissions (2):

PreventionGenetics, part of Exact Sciences
Classification: Uncertain significance for SEMA3C-related condition. Last evaluated: 2025-10-20. Review status: criteria provided, single submitter. Criteria: ACMG Guidelines, 2015. Collection method: clinical testing. Allele origin: germline.
Comment: The SEMA3C c.1459A>G variant is predicted to result in the amino acid substitution p.Ser487Gly. To our knowledge, this variant has not been reported in the literature. This variant is reported in 0.0040% of alleles in individuals of African descent in gnomAD. At this time, the clinical significance of this variant is uncertain due to the absence of conclusive functional and genetic evidence.

Ambry Genetics
Classification: Uncertain significance. Last evaluated: 2023-03-21. Review status: criteria provided, single submitter. Criteria: Ambry Variant Classification Scheme 2023. Collection method: clinical testing. Allele origin: germline.

NM_006379.5(SEMA3C):c.1405A>G (p.Ser469Gly)

Gene: SEMA3C (semaphorin 3C; minus strand). Cytogenetic location: 7q21.11.
Variant type: single nucleotide variant.
Coding change: c.1405A>G on transcript NM_006379.5 (MANE Select); coding-DNA position 1405, A replaced by G.
Protein change: p.Ser469Gly; replaces serine 469 with glycine.
Molecular consequence: missense variant.
Genome position (GRCh38, 1-based): chr7:80,765,193, T>C on the plus strand (A>G on the coding strand, the complement: SEMA3C is on the minus strand). VCF-style: chr7-80765193-T-C. GRCh37 (hg19) VCF-style: chr7-80394509-T-C.
Other names: c.1459A>G, p.Ser487Gly (NM_001350120.2); c.1231A>G, p.Ser411Gly (NM_001350121.2); c.1459A>G (NM_001350120.1); short protein forms S487G, S411G, S469G.
Identifiers: ClinVar variation 2513101 (VCV002513101.3), dbSNP rs774700388, ClinGen allele CA4316117.